The following is an entry in ClinVar:

ClinVar aggregate classification (germline): Uncertain significance (1 of 4 stars; one submission).

Conditions:
Neuropathy, hereditary sensory and autonomic, type 2A (HSAN2A). Also called: ACROOSTEOLYSIS, GIACCAI TYPE; ACROOSTEOLYSIS, NEUROGENIC; MORVAN DISEASE; NEUROPATHY, CONGENITAL SENSORY; NEUROPATHY, HEREDITARY SENSORY RADICULAR, AUTOSOMAL RECESSIVE; NEUROPATHY, HEREDITARY SENSORY, TYPE IIA. Identifiers: Orphanet 970, MedGen C2752089, MONDO:0024309, OMIM 201300.
Pseudohypoaldosteronism type 2C (PHA2C). Also called: Pseudohypoaldosteronism Type IIC. Identifiers: Orphanet 757, Orphanet 88940, MedGen C1840391, MONDO:0013778, OMIM 614492.

gnomAD v4.1: 17 of 1,519,108 alleles (0.0011%); highest among the groups gnomAD compares: Non-Finnish European, 0.0015%; no homozygotes.

Submission:

Labcorp Genetics (formerly Invitae), Labcorp
Classification: Uncertain significance for Neuropathy, hereditary sensory and autonomic, type 2A; Pseudohypoaldosteronism type 2C. Last evaluated: 2026-01-11. Review status: criteria provided, single submitter. Criteria: Invitae Variant Classification Sherloc (09022015). Collection method: clinical testing. Allele origin: germline.
Comment: This sequence change replaces arginine, which is basic and polar, with glycine, which is neutral and non-polar, at codon 718 of the WNK1 protein (p.Arg718Gly). This variant is not present in population databases (gnomAD no frequency). This variant has not been reported in the literature in individuals affected with WNK1-related conditions. ClinVar contains an entry for this variant (Variation ID: 2197201). Invitae Evidence Modeling of protein sequence and biophysical properties (such as structural, functional, and spatial information, amino acid conservation, physicochemical variation, residue mobility, and thermodynamic stability) indicates that this missense variant is not expected to disrupt WNK1 protein function with a negative predictive value of 95%. In summary, the available evidence is currently insufficient to determine the role of this variant in disease. Therefore, it has been classified as a Variant of Uncertain Significance.

NM_213655.5(WNK1):c.2152C>G (p.Arg718Gly)

Gene: WNK1 (WNK lysine deficient protein kinase 1; plus strand). Cytogenetic location: 12p13.33.
Variant type: single nucleotide variant.
Coding change: c.2152C>G on transcript NM_213655.5 (MANE Plus Clinical); coding-DNA position 2152, C replaced by G.
Protein change: p.Arg718Gly; replaces arginine 718 with glycine.
Molecular consequence: missense variant. On other transcripts: intron variant (3).
Genome position (GRCh38, 1-based): chr12:865,122, C>G. VCF-style: chr12-865122-C-G. GRCh37 (hg19) VCF-style: chr12-974288-C-G.
Other names: c.2140-2744C>G (NM_001184985.2); c.2139+2852C>G (NM_018979.4, NM_014823.3); short protein forms R718G.
Identifiers: ClinVar variation 2197201 (VCV002197201.4), dbSNP rs786205473, ClinGen allele CA383337475.